The following is an entry in ClinVar:

ClinVar aggregate classification (germline): Conflicting classifications of pathogenicity. Review status: criteria provided, conflicting classifications (1 of 4 stars). 6 submissions from 6 submitters: Uncertain significance (2); Likely benign (1). 3 of the submissions do not count toward it. Last evaluated 2025-12-24.

Conditions:
Cardiovascular phenotype. Identifiers: MedGen CN230736.
Arrhythmogenic right ventricular dysplasia 12. Also called: ARRHYTHMOGENIC RIGHT VENTRICULAR DYSPLASIA, FAMILIAL, 12. Identifiers: MedGen C1969081, MONDO:0012684, OMIM 611528.
Naxos disease (NXD). Also called: PALMOPLANTAR KERATODERMA WITH ARRHYTHMOGENIC RIGHT VENTRICULAR CARDIOMYOPATHY AND WOOLLY HAIR; WOOLLY HAIR, PALMOPLANTAR KERATODERMA, AND CARDIAC ABNORMALITIES; KERATOSIS PALMOPLANTARIS WITH ARRHYTHMOGENIC CARDIOMYOPATHY; MAL DE NAXOS; CARDIOMYOPATHY, ARRHYTHMOGENIC RIGHT VENTRICULAR, WITH SKIN, HAIR, AND NAIL ABNORMALITIES. Identifiers: Orphanet 34217, MedGen C1832600, MONDO:0011017, OMIM 601214.

Allele frequency attached by ClinVar (database versions not stated): ExAC 0.00001; gnomAD exomes 0.00003; gnomAD 0.00005; TOPMed 0.00005.
gnomAD v4.1: 82 of 1,611,634 alleles (0.0051%); highest among the groups gnomAD compares: Middle Eastern, 0.016%; no homozygotes.

Submissions (6):

Labcorp Genetics (formerly Invitae), Labcorp
Classification: Uncertain significance for Arrhythmogenic right ventricular dysplasia 12; Naxos disease. Last evaluated: 2025-12-24. Review status: criteria provided, single submitter. Criteria: Invitae Variant Classification Sherloc (09022015). Collection method: clinical testing. Allele origin: germline.
Comment: This sequence change replaces glutamic acid, which is acidic and polar, with lysine, which is basic and polar, at codon 154 of the JUP protein (p.Glu154Lys). This variant is present in population databases (rs782765314, gnomAD 0.01%). This missense change has been observed in individual(s) with hypertrophic cardiomyopathy (PMID: 30847666). ClinVar contains an entry for this variant (Variation ID: 449256). An algorithm developed to predict the effect of missense changes on protein structure and function (PolyPhen-2) suggests that this variant is likely to be disruptive. In summary, the available evidence is currently insufficient to determine the role of this variant in disease. Therefore, it has been classified as a Variant of Uncertain Significance.

Ambry Genetics
Classification: Likely benign for Cardiovascular phenotype. Last evaluated: 2023-06-16. Review status: criteria provided, single submitter. Criteria: Ambry Variant Classification Scheme 2023. Collection method: clinical testing. Allele origin: germline.

GeneDx
Classification: Uncertain significance. Last evaluated: 2020-10-12. Review status: criteria provided, single submitter. Criteria: GeneDx Variant Classification Process June 2021. Collection method: clinical testing. Allele origin: germline. Affected: yes.
Comment: Has not been previously published as pathogenic or benign to our knowledge; Reported in ClinVar as a variant of uncertain significance (ClinVar Variant ID# 449256; Landrum et al., 2016); In silico analysis supports that this missense variant has a deleterious effect on protein structure/function; This variant is associated with the following publications: (PMID: 30847666)

Clinical Genetics, Academic Medical Center
Classification: Uncertain significance. Review status: no assertion criteria provided. Collection method: clinical testing. Allele origin: germline. Affected: yes. Study: VKGL Data-share Consensus. Not counted in ClinVar's aggregate classification.

Diagnostic Laboratory, Department of Genetics, University Medical Center Groningen
Classification: Uncertain significance. Review status: no assertion criteria provided. Collection method: clinical testing. Allele origin: germline. Affected: yes. Study: VKGL Data-share Consensus. Not counted in ClinVar's aggregate classification.

Genome Diagnostics Laboratory, University Medical Center Utrecht
Classification: Uncertain significance. Review status: no assertion criteria provided. Collection method: clinical testing. Allele origin: germline. Affected: yes. Study: VKGL Data-share Consensus. Not counted in ClinVar's aggregate classification.

Literature cited by the submitters: PubMed 30847666 (cited by Labcorp Genetics (formerly Invitae), Labcorp and Ambry Genetics).

NM_002230.4(JUP):c.460G>A (p.Glu154Lys)

Gene: JUP (junction plakoglobin; minus strand). Cytogenetic location: 17q21.2.
Variant type: single nucleotide variant.
Coding change: c.460G>A on transcript NM_002230.4 (MANE Select); coding-DNA position 460, G replaced by A.
Protein change: p.Glu154Lys; replaces glutamic acid 154 with lysine.
Molecular consequence: missense variant.
Genome position (GRCh38, 1-based): chr17:41,769,426, C>T on the plus strand (G>A on the coding strand, the complement: JUP is on the minus strand). VCF-style: chr17-41769426-C-T. GRCh37 (hg19) VCF-style: chr17-39925678-C-T.
Other names: c.460G>A, p.Glu154Lys (NM_001352773.2, NM_001352774.2, NM_001352775.2 and 3 more transcripts); short protein forms E154K.
Identifiers: ClinVar variation 449256 (VCV000449256.15), dbSNP rs782765314, ClinGen allele CA8565490.